The following is an entry in ClinVar:

ClinVar aggregate classification (germline): Uncertain significance (1 of 4 stars; one submission).

Allele frequency attached by ClinVar (database versions not stated): gnomAD exomes below 0.00001.
gnomAD v4.1: 1 of 1,604,700 alleles (0.000062%); highest among the groups gnomAD compares: East Asian, 0.0022%; no homozygotes.

Submission:

GeneDx
Classification: Uncertain significance. Last evaluated: 2020-02-10. Review status: criteria provided, single submitter. Criteria: GeneDx Variant Classification Process June 2021. Collection method: clinical testing. Allele origin: germline. Affected: yes.
Comment: Has not been previously published as pathogenic or benign to our knowledge; Not observed in large population cohorts (Lek et al., 2016); In-silico analysis is inconclusive as to whether the variant alters gene splicing. In the absence of RNA/functional studies, the actual effect of this sequence change is unknown.

NM_001378452.1(ITPR1):c.951+5G>A

Gene: ITPR1 (inositol 1,4,5-trisphosphate receptor type 1; plus strand). Cytogenetic location: 3p26.1.
Variant type: single nucleotide variant.
Coding change: c.951+5G>A on transcript NM_001378452.1 (MANE Select); 5 bases into the intron after coding-DNA position 951, G replaced by A.
Molecular consequence: intron variant.
Genome position (GRCh38, 1-based): chr3:4,652,223, G>A. VCF-style: chr3-4652223-G-A. GRCh37 (hg19) VCF-style: chr3-4693907-G-A.
Other names: c.951+5G>A (NM_001099952.4, NM_001168272.2, NM_002222.7).
Identifiers: ClinVar variation 1312052 (VCV001312052.2), dbSNP rs2125171533, ClinGen allele CA2573052174.